The following is an entry in ClinVar:

NM_177550.5(SLC13A5):c.241C>T (p.Gln81Ter)

Gene: SLC13A5 (solute carrier family 13 member 5; minus strand). Cytogenetic location: 17p13.1.
Variant type: single nucleotide variant.
Coding change: c.241C>T on transcript NM_177550.5 (MANE Select); coding-DNA position 241, C replaced by T.
Protein change: p.Gln81Ter; replaces glutamine 81 with a stop codon.
Molecular consequence: nonsense.
Genome position (GRCh38, 1-based): chr17:6,706,769, G>A on the plus strand (C>T on the coding strand, the complement: SLC13A5 is on the minus strand). VCF-style: chr17-6706769-G-A. GRCh37 (hg19) VCF-style: chr17-6610088-G-A.
Other names: c.241C>T, p.Gln81Ter (NM_001143838.3, NM_001284509.2); c.112C>T, p.Gln38Ter (NM_001284510.2); short protein forms Q38*, Q81*.
Identifiers: ClinVar variation 5019030 (VCV005019030.2).

ClinVar aggregate classification (germline): Likely pathogenic (1 of 4 stars; one submission).

Conditions:
Developmental and epileptic encephalopathy, 25 (DEE25). Also called: Developmental and epileptic encephalopathy 25, with amelogenesis imperfecta; Epileptic encephalopathy, early infantile, 25, with amelogenesis imperfecta; Epileptic encephalopathy, early infantile, 25. Identifiers: Orphanet 442835, MedGen C4014621, MONDO:0014392, OMIM 615905.

Submission:

Juno Genomics, Hangzhou Juno Genomics, Inc
Classification: Likely pathogenic for Developmental and epileptic encephalopathy, 25. Review status: criteria provided, single submitter. Criteria: ACMG Guidelines, 2015. Collection method: clinical testing. Allele origin: germline.
Comment: Absent from controls (or at extremely low frequency if recessive) in Genome Aggregation Database.;Null variant in a gene where loss of function (LOF) is a known mechanism of disease.